The following is an entry in ClinVar:

ClinVar aggregate classification (germline): Likely benign (1 of 4 stars; one submission).

gnomAD v4.1: 10 of 1,211,294 alleles (0.00083%); highest among the groups gnomAD compares: Middle Eastern, 0.023%; no homozygotes.

Submission:

CeGaT Center for Human Genetics Tuebingen
Classification: Likely benign. Last evaluated: 2026-04-01. Review status: criteria provided, single submitter. Criteria: CeGaT Center For Human Genetics Tuebingen Variant Classification Criteria Version 2. Collection method: clinical testing. Allele origin: germline. Affected: yes. Observed: 1 variant allele.
Comment: BCOR: BP4

NM_001123385.2(BCOR):c.1849G>A (p.Ala617Thr)

Gene: BCOR (BCL6 corepressor; minus strand). Cytogenetic location: Xp11.4.
Variant type: single nucleotide variant.
Coding change: c.1849G>A on transcript NM_001123385.2 (MANE Select); coding-DNA position 1849, G replaced by A.
Protein change: p.Ala617Thr; replaces alanine 617 with threonine.
Molecular consequence: missense variant.
Genome position (GRCh38, 1-based): chrX:40,073,497, C>T on the plus strand (G>A on the coding strand, the complement: BCOR is on the minus strand). VCF-style: chrX-40073497-C-T. GRCh37 (hg19) VCF-style: chrX-39932750-C-T.
Other names: c.1849G>A, p.Ala617Thr (NM_001123383.2, NM_001123384.2, NM_001437510.1 and 4 more transcripts); short protein forms A617T.
Identifiers: ClinVar variation 4873267 (VCV004873267.2).